The following is an entry in ClinVar:

NM_000238.4(KCNH2):c.1111A>G (p.Thr371Ala)

Gene: KCNH2 (potassium voltage-gated channel subfamily H member 2; minus strand). Cytogenetic location: 7q36.1.
Variant type: single nucleotide variant.
Coding change: c.1111A>G on transcript NM_000238.4 (MANE Select); coding-DNA position 1111, A replaced by G.
Protein change: p.Thr371Ala; replaces threonine 371 with alanine.
Molecular consequence: missense variant.
Genome position (GRCh38, 1-based): chr7:150,957,308, T>C on the plus strand (A>G on the coding strand, the complement: KCNH2 is on the minus strand). VCF-style: chr7-150957308-T-C. GRCh37 (hg19) VCF-style: chr7-150654396-T-C.
Other names: c.823A>G, p.Thr275Ala (NM_001406753.1, NM_001406756.1); c.934A>G, p.Thr312Ala (NM_001406755.1); c.811A>G, p.Thr271Ala (NM_001406757.1); c.1111A>G, p.Thr371Ala (NM_172056.3); short protein forms T371A, T271A, T312A, T275A.
Identifiers: ClinVar variation 1497950 (VCV001497950.8), dbSNP rs1801406186, ClinGen allele CA369861445.
Genomic context (GRCh38, chr7:150,957,308, plus strand): 5'-GCTCCTCCAAGGTGAGAGGAGAGCCCGGCCGCTGGGCGCCTACCTGGGTGACCTTCTCAG[T>C]GACATTGTGGGTTCGCTCCTTTATCTTAGGTGCTATGATCTCACGGTCACTGGTGGGCGA-3'
Protein context (NP_000229.1, residues 361-381): PKIKERTHNV[Thr371Ala]EKVTQVLSLG

ClinVar aggregate classification (germline): Uncertain significance. Review status: criteria provided, multiple submitters, no conflicts (2 of 4 stars). 2 submissions from 2 submitters: Uncertain significance (2). Last evaluated 2026-01-14.

Conditions:
Long QT syndrome (LQTS). Identifiers: MedGen C0023976, MeSH D008133, MONDO:0002442. Disease mechanism: loss of function. Inheritance: Various modes of inheritance.

Submissions (2):

Labcorp Genetics (formerly Invitae), Labcorp
Classification: Uncertain significance for Long QT syndrome. Last evaluated: 2026-01-14. Review status: criteria provided, single submitter. Criteria: Invitae Variant Classification Sherloc (09022015). Collection method: clinical testing. Allele origin: germline.
Comment: This sequence change replaces threonine, which is neutral and polar, with alanine, which is neutral and non-polar, at codon 371 of the KCNH2 protein (p.Thr371Ala). This variant is not present in population databases (gnomAD no frequency). This variant has not been reported in the literature in individuals affected with KCNH2-related conditions. ClinVar contains an entry for this variant (Variation ID: 1497950). An algorithm developed to predict the effect of missense changes on protein structure and function (PolyPhen-2) suggests that this variant is likely to be disruptive. In summary, the available evidence is currently insufficient to determine the role of this variant in disease. Therefore, it has been classified as a Variant of Uncertain Significance.

All of Us Research Program, National Institutes of Health
Classification: Uncertain significance for Long QT syndrome. Last evaluated: 2023-06-08. Review status: criteria provided, single submitter. Criteria: ACMG Guidelines, 2015. Collection method: clinical testing. Allele origin: germline. Inheritance: Autosomal dominant inheritance. Observed: 1 variant allele, 1 heterozygote.
Comment: This missense variant replaces threonine with alanine at codon 371 of the KCNH2 protein. Computational prediction suggests that this variant may have deleterious impact on protein structure and function (internally defined REVEL score threshold >= 0.7, PMID: 27666373). To our knowledge, functional studies have not been reported for this variant. This variant has not been reported in individuals affected with KCNH2-related disorders in the literature. This variant has not been identified in the general population by the Genome Aggregation Database (gnomAD). The available evidence is insufficient to determine the role of this variant in disease conclusively. Therefore, this variant is classified as a Variant of Uncertain Significance.

This study involves interpretation of variants in research participants for the purpose of population health screening. Participant phenotype was not available at the time of variant classification. Additional details can be found in publication PMID: 35346344, PMCID: PMC8962531